The following is an entry in ClinVar:

NM_000059.4(BRCA2):c.7048_7050delinsCCT (p.Thr2350Pro)

Gene: BRCA2 (BRCA2 DNA repair associated; plus strand). Cytogenetic location: 13q13.1.
Variant type: Indel.
Coding change: c.7048_7050delinsCCT on transcript NM_000059.4 (MANE Select); coding-DNA positions 7048 to 7050, ACC replaced by CCT.
Protein change: p.Thr2350Pro; replaces threonine 2350 with proline.
Molecular consequence: missense variant.
Genome position (GRCh38, 1-based): chr13:32,354,901-32,354,903, ACC replaced by CCT. VCF-style: chr13-32354901-ACC-CCT. GRCh37 (hg19) VCF-style: chr13-32929038-ACC-CCT.
Other names: short protein forms T2350P.
Identifiers: ClinVar variation 826797 (VCV000826797.4), dbSNP rs1593917658, ClinGen allele CA915946863.

ClinVar aggregate classification (germline): Uncertain significance (1 of 4 stars; one submission).

Conditions:
Hereditary cancer-predisposing syndrome. Also called: Neoplastic Syndromes, Hereditary; Tumor predisposition; Hereditary neoplastic syndrome; Hereditary Cancer Syndrome. Identifiers: Orphanet 140162, MedGen C0027672, MeSH D009386, MONDO:0015356.

Submission:

Ambry Genetics
Classification: Uncertain significance for Hereditary cancer-predisposing syndrome. Last evaluated: 2022-08-01. Review status: criteria provided, single submitter. Criteria: Ambry Variant Classification Scheme 2023. Collection method: clinical testing. Allele origin: germline.
Comment: The c.7048_7050delACCinsCCT variant (also known as p.T2350P), located in coding exon 13 of the BRCA2 gene, results from an in-frame deletion of ACC and insertion of CCT at nucleotide positions 7048 to 7050. This results in the substitution of the threonine residue for a proline residue at codon 2350, an amino acid with highly similar properties. This amino acid position is highly conserved in available vertebrate species. Since supporting evidence is limited at this time, the clinical significance of this alteration remains unclear.